The following is an entry in ClinVar:

NM_022436.3(ABCG5):c.386T>C (p.Phe129Ser)

Gene: ABCG5 (ATP binding cassette subfamily G member 5; minus strand). Cytogenetic location: 2p21.
Variant type: single nucleotide variant.
Coding change: c.386T>C on transcript NM_022436.3 (MANE Select); coding-DNA position 386, T replaced by C.
Protein change: p.Phe129Ser; replaces phenylalanine 129 with serine.
Molecular consequence: missense variant.
Genome position (GRCh38, 1-based): chr2:43,831,963, A>G on the plus strand (T>C on the coding strand, the complement: ABCG5 is on the minus strand). VCF-style: chr2-43831963-A-G. GRCh37 (hg19) VCF-style: chr2-44059102-A-G.
Other names: short protein forms F129S.
Identifiers: ClinVar variation 2619758 (VCV002619758.3), dbSNP rs901129455, ClinGen allele CA346667901.

ClinVar aggregate classification (germline): Uncertain significance (1 of 4 stars; one submission).

Conditions:
Cardiovascular phenotype. Identifiers: MedGen CN230736.

gnomAD v4.1: 2 of 1,550,530 alleles (0.00013%); highest among the groups gnomAD compares: Middle Eastern, 0.017%; no homozygotes.

Submission:

Ambry Genetics
Classification: Uncertain significance for Cardiovascular phenotype. Last evaluated: 2025-05-24. Review status: criteria provided, single submitter. Criteria: Ambry Variant Classification Scheme 2023. Collection method: clinical testing. Allele origin: germline.
Comment: The p.F129S variant (also known as c.386T>C), located in coding exon 3 of the ABCG5 gene, results from a T to C substitution at nucleotide position 386. The phenylalanine at codon 129 is replaced by serine, an amino acid with highly dissimilar properties. This amino acid position is conserved. In addition, the in silico prediction for this alteration is inconclusive. Based on the available evidence, the clinical significance of this variant remains unclear.